The following is an entry in ClinVar:

ClinVar aggregate classification (germline): Uncertain significance. Review status: criteria provided, multiple submitters, no conflicts (2 of 4 stars). 2 submissions from 2 submitters: Uncertain significance (2). Last evaluated 2024-05-10.

Conditions:
Inborn genetic diseases. Identifiers: MedGen C0950123, MeSH D030342.
Charcot-Marie-Tooth disease axonal type 2P. Also called: CHARCOT-MARIE-TOOTH NEUROPATHY, TYPE 2P; Charcot-Marie-Tooth Neuropathy Type 2G; CHARCOT-MARIE-TOOTH DISEASE, AXONAL, TYPE 2G; CMT 2G. Identifiers: Orphanet 300319, Orphanet 99941, MedGen C3280797, MONDO:0013753, OMIM 614436.

Allele frequency attached by ClinVar (database versions not stated): TOPMed below 0.00001; gnomAD 0.00001.
gnomAD v4.1: 1 of 1,609,842 alleles (0.000062%); highest among the groups gnomAD compares: Non-Finnish European, 0.000085%; no homozygotes.

Submissions (2):

Ambry Genetics
Classification: Uncertain significance for Inborn genetic diseases. Last evaluated: 2024-05-10. Review status: criteria provided, single submitter. Criteria: Ambry Variant Classification Scheme 2023. Collection method: clinical testing. Allele origin: germline.

Labcorp Genetics (formerly Invitae), Labcorp
Classification: Uncertain significance for Charcot-Marie-Tooth disease axonal type 2P. Last evaluated: 2023-06-30. Review status: criteria provided, single submitter. Criteria: Invitae Variant Classification Sherloc (09022015). Collection method: clinical testing. Allele origin: germline.
Comment: This sequence change replaces valine, which is neutral and non-polar, with alanine, which is neutral and non-polar, at codon 108 of the LRSAM1 protein (p.Val108Ala). This variant is not present in population databases (gnomAD no frequency). This variant has not been reported in the literature in individuals affected with LRSAM1-related conditions. ClinVar contains an entry for this variant (Variation ID: 1037617). An algorithm developed to predict the effect of missense changes on protein structure and function (PolyPhen-2) suggests that this variant is likely to be disruptive. In summary, the available evidence is currently insufficient to determine the role of this variant in disease. Therefore, it has been classified as a Variant of Uncertain Significance.

NM_001005373.4(LRSAM1):c.323T>C (p.Val108Ala)

Gene: LRSAM1 (leucine rich repeat and sterile alpha motif containing 1; plus strand). Cytogenetic location: 9q33.3.
Variant type: single nucleotide variant.
Coding change: c.323T>C on transcript NM_001005373.4 (MANE Select); coding-DNA position 323, T replaced by C.
Protein change: p.Val108Ala; replaces valine 108 with alanine.
Molecular consequence: missense variant. On other transcripts: 5 prime UTR variant (1), non-coding transcript variant (2).
Genome position (GRCh38, 1-based): chr9:127,461,174, T>C. VCF-style: chr9-127461174-T-C. GRCh37 (hg19) VCF-style: chr9-130223453-T-C.
Other names: c.323T>C (NM_138361.4); c.323T>C, p.Val108Ala (NM_001005374.4, NM_001190723.3, NM_001384142.1 and 2 more transcripts); c.-462T>C (NM_001384144.1); short protein forms V108A.
Identifiers: ClinVar variation 1037617 (VCV001037617.9), dbSNP rs1324443410, ClinGen allele CA374967587.